The following is an entry in ClinVar:

NM_000168.6(GLI3):c.4095A>C (p.Pro1365=)

Gene: GLI3 (GLI family zinc finger 3; minus strand). Cytogenetic location: 7p14.1.
Variant type: single nucleotide variant.
Coding change: c.4095A>C on transcript NM_000168.6 (MANE Select); coding-DNA position 4095, A replaced by C.
Protein change: p.Pro1365=; no amino-acid change (proline 1365 retained).
Molecular consequence: synonymous variant.
Genome position (GRCh38, 1-based): chr7:41,964,978, T>G on the plus strand (A>C on the coding strand, the complement: GLI3 is on the minus strand). VCF-style: chr7-41964978-T-G. GRCh37 (hg19) VCF-style: chr7-42004576-T-G.
Identifiers: ClinVar variation 2657408 (VCV002657408.28), dbSNP rs779222747, ClinGen allele CA454662485.
Genomic context (GRCh38, chr7:41,964,978, plus strand): 5'-TGGCTGGTAGCCCCTGACAACTGCCAAGCTTGACGGCTGGCTGCCCATGCCGTGAGCCCC[T>G]GGCAGGCAGCTCTCTGGCCCTTGGTAGATGTTGATGTGTGAGGTAGCACTAATCTGCCCA-3'
Protein context (NP_000159.3, residues 1355-1375): NIYQGPESCL[Pro1365=]GAHGMGSQPS

ClinVar aggregate classification (germline): Likely benign. Review status: criteria provided, multiple submitters, no conflicts (2 of 4 stars). 3 submissions from 3 submitters: Likely benign (3). Last evaluated 2023-10-22.

Conditions:
Pallister-Hall syndrome (PHS). Also called: HYPOTHALAMIC HAMARTOBLASTOMA, HYPOPITUITARISM, IMPERFORATE ANUS, AND POSTAXIAL POLYDACTYLY; GLI3-Related Pallister-Hall Syndrome. Identifiers: Orphanet 672, MedGen C0265220, MONDO:0007804, OMIM 146510.
Greig cephalopolysyndactyly syndrome (GCPS). Also called: POLYSYNDACTYLY WITH PECULIAR SKULL SHAPE; Greig syndrome; GLI3-Related Greig Cephalopolysyndactyly Syndrome. Identifiers: Orphanet 380, MedGen C0265306, MONDO:0008287, OMIM 175700.

gnomAD v4.1: 1 of 1,613,636 alleles (0.000062%); highest among the groups gnomAD compares: Non-Finnish European, 0.000085%; no homozygotes.

Submissions (3):

Labcorp Genetics (formerly Invitae), Labcorp
Classification: Likely benign for Pallister-Hall syndrome; Greig cephalopolysyndactyly syndrome. Last evaluated: 2023-10-22. Review status: criteria provided, single submitter. Criteria: Invitae Variant Classification Sherloc (09022015). Collection method: clinical testing. Allele origin: germline.

Blueprint Genetics
Classification: Likely benign. Last evaluated: 2022-07-11. Review status: criteria provided, single submitter. Criteria: ACMG Guidelines, 2015. Collection method: clinical testing. Allele origin: germline.

CeGaT Center for Human Genetics Tuebingen
Classification: Likely benign. Last evaluated: 2022-04-01. Review status: criteria provided, single submitter. Criteria: CeGaT Center For Human Genetics Tuebingen Variant Classification Criteria Version 2. Collection method: clinical testing. Allele origin: germline. Affected: yes. Observed: 1 variant allele.
Comment: GLI3: BP4, BP7